The following is an entry in ClinVar:

ClinVar aggregate classification (germline): Uncertain significance. Review status: criteria provided, multiple submitters, no conflicts (2 of 4 stars). 2 submissions from 2 submitters: Uncertain significance (2). Last evaluated 2026-03-30.

Conditions:
Familial cancer of breast. Also called: BREAST CANCER, FAMILIAL; Hereditary breast cancer; hereditary breast carcinoma. Identifiers: Orphanet 227535, MedGen C0346153, MONDO:0016419, OMIM 114480. Disease mechanism: loss of function.
Hereditary cancer-predisposing syndrome. Also called: Tumor predisposition; Neoplastic Syndromes, Hereditary; Hereditary Cancer Syndrome; Hereditary neoplastic syndrome. Identifiers: Orphanet 140162, MedGen C0027672, MeSH D009386, MONDO:0015356.

Submissions (2):

Ambry Genetics
Classification: Uncertain significance for Hereditary cancer-predisposing syndrome. Last evaluated: 2026-03-30. Review status: criteria provided, single submitter. Criteria: Ambry Variant Classification Scheme 2023. Collection method: clinical testing. Allele origin: germline.
Comment: The p.S616I variant (also known as c.1847G>T), located in coding exon 9 of the BARD1 gene, results from a G to T substitution at nucleotide position 1847. The serine at codon 616 is replaced by isoleucine, an amino acid with dissimilar properties. This amino acid position is conserved. In addition, this alteration is predicted to be tolerated by in silico analysis. Based on the available evidence, the clinical significance of this variant remains unclear.

Labcorp Genetics (formerly Invitae), Labcorp
Classification: Uncertain significance for Familial cancer of breast. Last evaluated: 2025-11-22. Review status: criteria provided, single submitter. Criteria: Invitae Variant Classification Sherloc (09022015). Collection method: clinical testing. Allele origin: germline.
Comment: This sequence change replaces serine, which is neutral and polar, with isoleucine, which is neutral and non-polar, at codon 616 of the BARD1 protein (p.Ser616Ile). This variant is not present in population databases (gnomAD no frequency). This variant has not been reported in the literature in individuals affected with BARD1-related conditions. ClinVar contains an entry for this variant (Variation ID: 1447895). An algorithm developed to predict the effect of missense changes on protein structure and function (PolyPhen-2) suggests that this variant is likely to be disruptive. In summary, the available evidence is currently insufficient to determine the role of this variant in disease. Therefore, it has been classified as a Variant of Uncertain Significance.

NM_000465.4(BARD1):c.1847G>T (p.Ser616Ile)

Gene: BARD1 (BRCA1 associated RING domain 1; minus strand). Cytogenetic location: 2q35.
Variant type: single nucleotide variant.
Coding change: c.1847G>T on transcript NM_000465.4 (MANE Select); coding-DNA position 1847, G replaced by T.
Protein change: p.Ser616Ile; replaces serine 616 with isoleucine.
Molecular consequence: missense variant. On other transcripts: non-coding transcript variant (3), intron variant (1).
Genome position (GRCh38, 1-based): chr2:214,745,123, C>A on the plus strand (G>T on the coding strand, the complement: BARD1 is on the minus strand). VCF-style: chr2-214745123-C-A. GRCh37 (hg19) VCF-style: chr2-215609847-C-A.
Other names: c.1790G>T, p.Ser597Ile (NM_001282543.2); c.494G>T, p.Ser165Ile (NM_001282545.2); c.437G>T, p.Ser146Ile (NM_001282548.2); c.365-14615G>T (NM_001282549.2); c.1847G>T (NM_000465.2); short protein forms S146I, S597I, S616I, S165I.
Identifiers: ClinVar variation 1447895 (VCV001447895.10), dbSNP rs1475259063, ClinGen allele CA350452220.